The following is an entry in ClinVar:

NM_001370259.2(MEN1):c.955T>G (p.Tyr319Asp)

Gene: MEN1 (menin 1; minus strand). Cytogenetic location: 11q13.1.
Variant type: single nucleotide variant.
Coding change: c.955T>G on transcript NM_001370259.2 (MANE Select); coding-DNA position 955, T replaced by G.
Protein change: p.Tyr319Asp; replaces tyrosine 319 with aspartic acid.
Molecular consequence: missense variant.
Genome position (GRCh38, 1-based): chr11:64,806,326, A>C on the plus strand (T>G on the coding strand, the complement: MEN1 is on the minus strand). VCF-style: chr11-64806326-A-C. GRCh37 (hg19) VCF-style: chr11-64573798-A-C.
Other names: c.970T>G, p.Tyr324Asp (NM_000244.4, NM_130800.3, NM_130801.3 and 3 more transcripts); c.955T>G, p.Tyr319Asp (NM_001370251.2, NM_001370260.2, NM_001370261.2 and 1 more transcripts); c.850T>G, p.Tyr284Asp (NM_001370262.2, NM_001370263.2); short protein forms Y324D, Y319D, Y284D.
Identifiers: ClinVar variation 457347 (VCV000457347.8), dbSNP rs1555165101, ClinGen allele CA381183374.

ClinVar aggregate classification (germline): Uncertain significance (1 of 4 stars; one submission).

Conditions:
Multiple endocrine neoplasia, type 1 (MEN1). Also called: MEN I; WERMER SYNDROME; Endocrine adenomatosis multiple; MEN 1; MEA I. Identifiers: Orphanet 652, MedGen C0025267, MeSH D018761, MONDO:0007540, OMIM 131100.

Submission:

Labcorp Genetics (formerly Invitae), Labcorp
Classification: Uncertain significance for Multiple endocrine neoplasia, type 1. Last evaluated: 2017-03-05. Review status: criteria provided, single submitter. Criteria: Invitae Variant Classification Sherloc (09022015). Collection method: clinical testing. Allele origin: germline.
Comment: In summary, this variant is a novel missense change with uncertain impact on protein function. It has been classified as a Variant of Uncertain Significance. Algorithms developed to predict the effect of missense changes on protein structure and function (SIFT, PolyPhen-2, Align-GVGD) all suggest that this variant is likely to be disruptive, but these predictions have not been confirmed by published functional studies. This variant is not present in population databases (ExAC no frequency) and has not been reported in the literature in individuals with a MEN1-related disease. This sequence change replaces tyrosine with aspartic acid at codon 319 of the MEN1 protein (p.Tyr319Asp). The tyrosine residue is highly conserved and there is a large physicochemical difference between tyrosine and aspartic acid.